The following is an entry in ClinVar:

ClinVar aggregate classification (germline): Pathogenic. Review status: criteria provided, multiple submitters, no conflicts (2 of 4 stars). 9 submissions from 9 submitters: Pathogenic (9). Last evaluated 2024-11-27.

Conditions:
Joubert syndrome. Also called: JOUBERT-BOLTSHAUSER SYNDROME; Familial aplasia of the vermis. Identifiers: Orphanet 475, MedGen C5979921, MONDO:0018772.
Meckel-Gruber syndrome. Also called: Dysencephalia splachnocystica; DYSENCEPHALIA SPLANCHNOCYSTICA; GRUBER SYNDROME. Identifiers: Orphanet 564, MedGen C0265215, MONDO:0018921.
COACH syndrome 2. Identifiers: MedGen C5436837, MONDO:0030859, OMIM 619111.
Meckel syndrome, type 6. Identifiers: Orphanet 564, MedGen C2676790, MONDO:0012848, OMIM 612284.
Joubert syndrome 9 (JBTS9). Identifiers: Orphanet 2318, MedGen C2676788, MONDO:0012849, OMIM 612285.
Retinitis pigmentosa 93. Identifiers: MedGen C5676970, MONDO:0030797, OMIM 619845.
CC2D2A-related disorder. Also called: CC2D2A-related condition; CC2D2A-related disorders. Identifiers: MedGen CN239313.
Joubert syndrome and related disorders. Identifiers: Orphanet 140874, MedGen C5679612, MONDO:0015369.
Retinal dystrophy. Also called: Inherited retinal dystrophy. Identifiers: Orphanet 71862, MedGen C0854723, MeSH D058499, MONDO:0019118, HP:0000556.

Allele frequency attached by ClinVar (database versions not stated): gnomAD exomes below 0.00001; ExAC 0.00002.
gnomAD v4.1: 7 of 1,613,236 alleles (0.00043%); highest among the groups gnomAD compares: East Asian, 0.0045%; no homozygotes.

Submissions (9):

3billion
Classification: Pathogenic for CC2D2A-related disorder. Last evaluated: 2024-11-27. Review status: criteria provided, single submitter. Criteria: ACMG Guidelines, 2015. Collection method: clinical testing. Allele origin: germline. Affected: yes.
Comment: The variant is observed at an extremely low frequency in the gnomAD v4.1.0 dataset (total allele frequency: <0.001%). Predicted Consequence/Location: Stop-gained (nonsense): predicted to result in a loss or disruption of normal protein function through nonsense-mediated decay (NMD) or protein truncation. Multiple pathogenic variants are reported downstream of the variant. The variant has been reported at least twice as pathogenic with clinical assertions and evidence for the classification (ClinVar ID: VCV000982064 /PMID: 29039169). Therefore, this variant is classified as Pathogenic according to the recommendation of ACMG/AMP guideline.

PreventionGenetics, part of Exact Sciences
Classification: Pathogenic for CC2D2A-related condition. Last evaluated: 2024-11-23. Review status: criteria provided, single submitter. Criteria: ACMG Guidelines, 2015. Collection method: clinical testing. Allele origin: germline.
Comment: The CC2D2A c.2728C>T variant is predicted to result in premature protein termination (p.Arg910*). This variant has been reported in individuals with Joubert Syndrome (see for example, Fang et al. 2023. PubMed ID: 37735380). This variant is reported in 0.0065% of alleles in individuals of South Asian descent in gnomAD. Nonsense variants in CC2D2A are expected to be pathogenic. This variant is interpreted as pathogenic.

Myriad Genetics, Inc.
Classification: Pathogenic for Joubert syndrome and related disorders. Last evaluated: 2024-07-29. Review status: criteria provided, single submitter. Criteria: Myriad Autosomal Dominant, Autosomal Recessive and X-Linked Classification Criteria (2023). Collection method: clinical testing. Allele origin: unknown.
Comment: NM_001080522.2(CC2D2A):c.2728C>T(R910*) is expected to be pathogenic in the context of CC2D2A-related disorders. This variant is predicted to lead to an abnormal or absent protein product due to the creation of a premature termination codon in CC2D2A, a gene where loss-of-function variants are known to be pathogenic. Please note: this variant was assessed in the context of healthy population screening.

GeneDx
Classification: Pathogenic. Last evaluated: 2023-08-28. Review status: criteria provided, single submitter. Criteria: GeneDx Variant Classification Process June 2021. Collection method: clinical testing. Allele origin: germline. Affected: yes.
Comment: Identified in a fetus with Joubert syndrome in published literature (Wen et al., 2017) who also had a second variant in CC2D2A but it is not known whether the variants occurred on the same (in cis) or on different (in trans) chromosomes; the full paper was not evaluated as it is written in Chinese; Nonsense variant predicted to result in protein truncation or nonsense mediated decay in a gene for which loss of function is a known mechanism of disease; Not observed at significant frequency in large population cohorts (gnomAD); This variant is associated with the following publications: (PMID: 31964843, 29039169)

Labcorp Genetics (formerly Invitae), Labcorp
Classification: Pathogenic for Joubert syndrome; Meckel-Gruber syndrome. Last evaluated: 2023-05-31. Review status: criteria provided, single submitter. Criteria: Invitae Variant Classification Sherloc (09022015). Collection method: clinical testing. Allele origin: germline.
Comment: For these reasons, this variant has been classified as Pathogenic. ClinVar contains an entry for this variant (Variation ID: 982064). This premature translational stop signal has been observed in individual(s) with clinical features of CC2D2A-related conditions (PMID: 29039169). This variant is present in population databases (rs781206278, gnomAD 0.007%). This sequence change creates a premature translational stop signal (p.Arg910*) in the CC2D2A gene. It is expected to result in an absent or disrupted protein product. Loss-of-function variants in CC2D2A are known to be pathogenic (PMID: 19777577).

Institute of Human Genetics, Univ. Regensburg, Univ. Regensburg
Classification: Pathogenic for Retinal dystrophy. Last evaluated: 2021-01-01. Review status: criteria provided, single submitter. Criteria: ACMG Guidelines, 2015. Collection method: clinical testing. Allele origin: germline. Affected: yes.

Baylor Genetics
Classification: Pathogenic for Meckel syndrome, type 6. Last evaluated: 2019-12-26. Review status: criteria provided, single submitter. Criteria: ACMG Guidelines, 2015. Collection method: clinical testing. Allele origin: unknown. Affected: yes.
Comment: This variant was determined to be pathogenic according to ACMG Guidelines, 2015 [PMID:25741868].

Juno Genomics, Hangzhou Juno Genomics, Inc
Classification: Pathogenic for COACH syndrome 2; Joubert syndrome 9; Meckel syndrome, type 6; Retinitis pigmentosa 93. Review status: criteria provided, single submitter. Criteria: ACMG Guidelines, 2015. Collection method: clinical testing. Allele origin: germline.
Comment: Null variant in a gene where loss of function (LOF) is a known mechanism of disease.;Absent from controls (or at extremely low frequency if recessive) in Genome Aggregation Database.;Patient's phenotype or family history is highly specific for a disease with a single genetic etiology.

Pathology and Clinical Laboratory Medicine, King Fahad Medical City
Classification: Pathogenic for Meckel syndrome, type 6. Review status: criteria provided, single submitter. Criteria: ACMG Guidelines, 2015. Collection method: clinical testing. Allele origin: germline. Affected: yes. Observed: 8 variant alleles.

Literature cited by the submitters: PubMed 29039169 (cited by 3 submitters); PubMed 19777577 (cited by Labcorp Genetics (formerly Invitae), Labcorp); PubMed 3196484 (cited by Institute of Human Genetics, Univ. Regensburg, Univ. Regensburg).

NM_001378615.1(CC2D2A):c.2728C>T (p.Arg910Ter)

Genes: CC2D2A (coiled-coil and C2 domain containing 2A; plus strand), FBXL5 (F-box and leucine rich repeat protein 5; minus strand). Cytogenetic location: 4p15.32.
Variant type: single nucleotide variant.
Coding change: c.2728C>T on transcript NM_001378615.1 (MANE Select); coding-DNA position 2728, C replaced by T.
Protein change: p.Arg910Ter; replaces arginine 910 with a stop codon.
Molecular consequence: nonsense.
Genome position (GRCh38, 1-based): chr4:15,557,406, C>T. VCF-style: chr4-15557406-C-T. GRCh37 (hg19) VCF-style: chr4-15559029-C-T.
Other names: c.2728C>T, p.Arg910Ter (NM_001080522.2); c.2581C>T, p.Arg861Ter (NM_001378617.1); short protein forms R861*, R910*.
Identifiers: ClinVar variation 982064 (VCV000982064.20), dbSNP rs781206278, ClinGen allele CA2863997.
Genomic context (GRCh38, chr4:15,557,406, plus strand): 5'-CTGGAGCAGCTGCAACAGGAGTTTAACTTTGTTTCAGATCAAGAATTAAATAGATCCAAA[C>T]GATTTAGGCTTCTTCATCTTAGAAGCCAAGAGGTGCCAGAATTCCGAAATTATAAGCAAG-3'